The following is an entry in ClinVar:

NM_002692.4(POLE2):c.1414T>C (p.Tyr472His)

Gene: POLE2 (DNA polymerase epsilon 2, accessory subunit; minus strand). Cytogenetic location: 14q21.3.
Variant type: single nucleotide variant.
Coding change: c.1414T>C on transcript NM_002692.4 (MANE Select); coding-DNA position 1414, T replaced by C.
Protein change: p.Tyr472His; replaces tyrosine 472 with histidine.
Molecular consequence: missense variant.
Genome position (GRCh38, 1-based): chr14:49,650,348, A>G on the plus strand (T>C on the coding strand, the complement: POLE2 is on the minus strand). VCF-style: chr14-49650348-A-G. GRCh37 (hg19) VCF-style: chr14-50117066-A-G.
Other names: c.1336T>C, p.Tyr446His (NM_001197330.2); c.1414T>C, p.Tyr472His (NM_001197331.3); c.1411T>C, p.Tyr471His (NM_001348384.2); c.1183T>C, p.Tyr395His (NM_001348385.2); short protein forms Y395H, Y446H, Y471H, Y472H.
Identifiers: ClinVar variation 782338 (VCV000782338.35), dbSNP rs34000915, ClinGen allele CA7173276.

ClinVar aggregate classification (germline): Benign/Likely benign. Review status: criteria provided, multiple submitters, no conflicts (2 of 4 stars). 5 submissions from 5 submitters: Benign (2); Likely benign (2). 1 of the submissions does not count toward it. Last evaluated 2026-01-25.

Conditions:
POLE2-related disorder. Also called: POLE2-related condition.

Allele frequency attached by ClinVar (database versions not stated): ESP Exome Variant Server 0.00154; TOPMed 0.00154; gnomAD 0.00338 and 0.00352; 1000 Genomes Project 30x 0.00344; 1000 Genomes Project 0.00379; ExAC 0.00441; gnomAD exomes 0.00467.

Submissions (5):

Labcorp Genetics (formerly Invitae), Labcorp
Classification: Benign. Last evaluated: 2026-01-25. Review status: criteria provided, single submitter. Criteria: Invitae Variant Classification Sherloc (09022015). Collection method: clinical testing. Allele origin: germline.

Genomic Medicine Center of Excellence, King Faisal Specialist Hospital and Research Centre
Classification: Likely benign. Last evaluated: 2025-08-18. Review status: criteria provided, single submitter. Criteria: ACMG Guidelines, 2015. Collection method: clinical testing. Allele origin: germline.

CeGaT Center for Human Genetics Tuebingen
Classification: Likely benign. Last evaluated: 2023-06-01. Review status: criteria provided, single submitter. Criteria: CeGaT Center For Human Genetics Tuebingen Variant Classification Criteria Version 2. Collection method: clinical testing. Allele origin: germline. Affected: yes. Observed: 1 variant allele.
Comment: POLE2: BS2

Breakthrough Genomics
Classification: Benign. Review status: criteria provided, single submitter. Criteria: ACMG Guidelines, 2015. Collection method: not provided. Allele origin: germline. Inheritance: Unknown mechanism. Affected: yes.

PreventionGenetics, part of Exact Sciences
Classification: Likely benign for POLE2-related condition. Last evaluated: 2020-02-13. Review status: no assertion criteria provided. Collection method: clinical testing. Allele origin: germline. Not counted in ClinVar's aggregate classification.
Comment: This variant is classified as likely benign based on ACMG/AMP sequence variant interpretation guidelines (Richards et al. 2015 PMID: 25741868, with internal and published modifications).